The following is an entry in ClinVar:

ClinVar aggregate classification (germline): Conflicting classifications of pathogenicity. Review status: criteria provided, conflicting classifications (1 of 4 stars). 5 submissions from 5 submitters: Uncertain significance (4); Likely benign (1). Last evaluated 2025-07-30.

Conditions:
Cardiovascular phenotype. Identifiers: MedGen CN230736.
Arrhythmogenic right ventricular dysplasia 11. Also called: Arrhythmogenic Right Ventricular Dysplasia/Cardiomyopathy11; ARRHYTHMOGENIC RIGHT VENTRICULAR DYSPLASIA, FAMILIAL, 11; Arrhythmogenic right ventricular dysplasia 11 with mild palmoplantar keratoderma and woolly hair. Identifiers: MedGen C1864850, MONDO:0012506, OMIM 610476.
Cardiomyopathy (CMYO). Also called: Cardiomyopathies. Identifiers: Orphanet 167848, MedGen C0878544, MONDO:0004994, HP:0001638. Inheritance: Various modes of inheritance.

Allele frequency attached by ClinVar (database versions not stated): 1000 Genomes Project 30x 0.00016; TOPMed 0.00002; 1000 Genomes Project 0.00020.
gnomAD v4.1: 13 of 1,613,768 alleles (0.00081%); highest among the groups gnomAD compares: Admixed American, 0.02%; no homozygotes.

Submissions (5):

Labcorp Genetics (formerly Invitae), Labcorp
Classification: Uncertain significance for Arrhythmogenic right ventricular dysplasia 11. Last evaluated: 2025-07-30. Review status: criteria provided, single submitter. Criteria: Invitae Variant Classification Sherloc (09022015). Collection method: clinical testing. Allele origin: germline.
Comment: This sequence change replaces glutamic acid, which is acidic and polar, with lysine, which is basic and polar, at codon 207 of the DSC2 protein (p.Glu207Lys). This variant is present in population databases (rs200634448, gnomAD 0.03%). This variant has not been reported in the literature in individuals affected with DSC2-related conditions. ClinVar contains an entry for this variant (Variation ID: 468384). Invitae Evidence Modeling of protein sequence and biophysical properties (such as structural, functional, and spatial information, amino acid conservation, physicochemical variation, residue mobility, and thermodynamic stability) indicates that this missense variant is not expected to disrupt DSC2 protein function with a negative predictive value of 80%. In summary, the available evidence is currently insufficient to determine the role of this variant in disease. Therefore, it has been classified as a Variant of Uncertain Significance.

Ambry Genetics
Classification: Likely benign for Cardiovascular phenotype. Last evaluated: 2024-10-14. Review status: criteria provided, single submitter. Criteria: Ambry Variant Classification Scheme 2023. Collection method: clinical testing. Allele origin: germline.

GeneDx
Classification: Uncertain significance. Last evaluated: 2024-09-24. Review status: criteria provided, single submitter. Criteria: GeneDx Variant Classification Process June 2021. Collection method: clinical testing. Allele origin: germline. Affected: yes.
Comment: In silico analysis indicates that this missense variant does not alter protein structure/function; Has not been previously published as pathogenic or benign to our knowledge

Color Diagnostics, LLC DBA Color Health
Classification: Uncertain significance for Cardiomyopathy. Last evaluated: 2024-02-06. Review status: criteria provided, single submitter. Criteria: ACMG Guidelines, 2015. Collection method: clinical testing. Allele origin: germline.
Comment: This missense variant replaces glutamic acid with lysine at codon 207 of the DSC2 protein. Computational prediction suggests that this variant may not impact protein structure and function. To our knowledge, functional studies have not been reported for this variant. This variant has not been reported in individuals affected with DSC2-related disorders in the literature. This variant has been identified in 12/251386 chromosomes in the general population by the Genome Aggregation Database (gnomAD). The available evidence is insufficient to determine the role of this variant in disease conclusively. Therefore, this variant is classified as a Variant of Uncertain Significance.

Baylor Genetics
Classification: Uncertain significance for Arrhythmogenic right ventricular dysplasia 11. Last evaluated: 2018-11-23. Review status: criteria provided, single submitter. Criteria: ACMG Guidelines, 2015. Collection method: clinical testing. Allele origin: maternal. Affected: yes.
Comment: This variant was determined to be of uncertain significance according to ACMG Guidelines, 2015 [PMID:25741868].

NM_024422.6(DSC2):c.619G>A (p.Glu207Lys)

Gene: DSC2 (desmocollin 2; minus strand). Cytogenetic location: 18q12.1.
Variant type: single nucleotide variant.
Coding change: c.619G>A on transcript NM_024422.6 (MANE Select); coding-DNA position 619, G replaced by A.
Protein change: p.Glu207Lys; replaces glutamic acid 207 with lysine.
Molecular consequence: missense variant.
Genome position (GRCh38, 1-based): chr18:31,089,450, C>T on the plus strand (G>A on the coding strand, the complement: DSC2 is on the minus strand). VCF-style: chr18-31089450-C-T. GRCh37 (hg19) VCF-style: chr18-28669413-C-T.
Other names: c.619G>A, p.Glu207Lys (NM_004949.5); short protein forms E207K.
Identifiers: ClinVar variation 468384 (VCV000468384.12), dbSNP rs200634448, ClinGen allele CA038995.
Genomic context (GRCh38, chr18:31,089,450, plus strand): 5'-TGGCCAAGCATCATCATTGCTAATACAGTACACACATTTTAGACTTTACCTCAAAAGATT[C>T]ATACTGCTCACGATCTACAGGACGAGTACAATACAAGTTTCCAGTGTCTCTCTCCACATA-3'
Protein context (NP_077740.1, residues 197-217): CTRPVDREQY[Glu207Lys]SFEIIAFATT